The following is an entry in ClinVar:

NM_002755.4(MAP2K1):c.1023-17G>C

Gene: MAP2K1 (mitogen-activated protein kinase kinase 1; plus strand). Cytogenetic location: 15q22.31.
Variant type: single nucleotide variant.
Coding change: c.1023-17G>C on transcript NM_002755.4 (MANE Select); 17 bases into the intron before coding-DNA position 1023, G replaced by C.
Molecular consequence: intron variant.
Genome position (GRCh38, 1-based): chr15:66,489,701, G>C. VCF-style: chr15-66489701-G-C. GRCh37 (hg19) VCF-style: chr15-66782039-G-C.
Identifiers: ClinVar variation 381507 (VCV000381507.9), dbSNP rs759861076, ClinGen allele CA7624093.
Genomic context (GRCh38, chr15:66,489,701, plus strand): 5'-GACAGGCATGCAAACATGTTATTTGAGCTAGAACCAGTGCCAGGCAACAGCTCTTACCTT[G>C]TCTTTCTTCCTTTAAGCTTAATAAAAAACCCCGCAGAGAGAGCAGATTTGAAGCAACTCA-3'

ClinVar aggregate classification (germline): Likely benign. Review status: criteria provided, multiple submitters, no conflicts (2 of 4 stars). 3 submissions from 3 submitters: Likely benign (3). Last evaluated 2025-09-02.

Conditions:
RASopathy. Also called: rasopathies; Noonan spectrum disorder. Identifiers: Orphanet 536391, MedGen C5555857, MONDO:0021060.

Allele frequency attached by ClinVar (database versions not stated): gnomAD exomes 0.00001; ExAC 0.00002; TOPMed 0.00002.
gnomAD v4.1: 15 of 1,609,350 alleles (0.00093%); highest among the groups gnomAD compares: Admixed American, 0.013%; no homozygotes.

Submissions (3):

Labcorp Genetics (formerly Invitae), Labcorp
Classification: Likely benign for RASopathy. Last evaluated: 2025-09-02. Review status: criteria provided, single submitter. Criteria: Invitae Variant Classification Sherloc (09022015). Collection method: clinical testing. Allele origin: germline.

Blueprint Genetics
Classification: Likely benign. Last evaluated: 2024-02-01. Review status: criteria provided, single submitter. Criteria: ACMG Guidelines, 2015. Collection method: clinical testing. Allele origin: germline.

GeneDx
Classification: Likely benign. Last evaluated: 2018-01-17. Review status: criteria provided, single submitter. Criteria: GeneDx Variant Classification (06012015). Collection method: clinical testing. Allele origin: germline. Affected: yes.
Comment: This variant is considered likely benign or benign based on one or more of the following criteria: it is a conservative change, it occurs at a poorly conserved position in the protein, it is predicted to be benign by multiple in silico algorithms, and/or has population frequency not consistent with disease.